The following is an entry in ClinVar:

ClinVar aggregate classification (germline): Likely benign. Review status: criteria provided, multiple submitters, no conflicts (2 of 4 stars). 6 submissions from 6 submitters: Likely benign (5). 1 of the submissions does not count toward it. Last evaluated 2022-01-07.

Conditions:
ADAT3-related disorder. Also called: ADAT3-related condition.
Inborn genetic diseases. Identifiers: MedGen C0950123, MeSH D030342.

Allele frequency attached by ClinVar (database versions not stated): ExAC 0.00075; 1000 Genomes Project 30x 0.00234; ESP Exome Variant Server 0.00247; gnomAD 0.00259; 1000 Genomes Project 0.00260; TOPMed 0.00283.
gnomAD v4.1: 767 of 1,608,514 alleles (0.048%); highest among the groups gnomAD compares: African/African-American, 0.84%; 5 homozygotes.

Submissions (6):

Ambry Genetics
Classification: Likely benign for Inborn genetic diseases. Last evaluated: 2022-01-07. Review status: criteria provided, single submitter. Criteria: Ambry Variant Classification Scheme 2023. Collection method: clinical testing. Allele origin: germline.

Labcorp Genetics (formerly Invitae), Labcorp
Classification: Likely benign. Last evaluated: 2019-12-31. Review status: criteria provided, single submitter. Criteria: Invitae Variant Classification Sherloc (09022015). Collection method: clinical testing. Allele origin: germline.

Center for Pediatric Genomic Medicine, Children's Mercy Hospital and Clinics
Classification: Likely benign. Last evaluated: 2017-08-24. Review status: criteria provided, single submitter. Criteria: ACMG Guidelines, 2015. Collection method: clinical testing. Allele origin: germline.

Genetic Services Laboratory, University of Chicago
Classification: Likely benign. Last evaluated: 2017-01-18. Review status: criteria provided, single submitter. Criteria: ACMG Guidelines, 2015. Collection method: clinical testing. Allele origin: germline. Affected: no.

Breakthrough Genomics
Classification: Likely benign. Review status: criteria provided, single submitter. Criteria: ACMG Guidelines, 2015. Collection method: not provided. Allele origin: germline. Inheritance: Autosomal recessive inheritance. Affected: yes.

PreventionGenetics, part of Exact Sciences
Classification: Likely benign for ADAT3-related condition. Last evaluated: 2019-02-22. Review status: no assertion criteria provided. Collection method: clinical testing. Allele origin: germline. Not counted in ClinVar's aggregate classification.
Comment: This variant is classified as likely benign based on ACMG/AMP sequence variant interpretation guidelines (Richards et al. 2015 PMID: 25741868, with internal and published modifications).

NM_138422.4(ADAT3):c.854A>C (p.Asp285Ala)

Genes: ADAT3 (adenosine deaminase tRNA specific 3; plus strand), SCAMP4 (secretory carrier membrane protein 4; plus strand). Cytogenetic location: 19p13.3.
Variant type: single nucleotide variant.
Coding change: c.854A>C on transcript NM_138422.4 (MANE Select); coding-DNA position 854, A replaced by C.
Protein change: p.Asp285Ala; replaces aspartic acid 285 with alanine.
Molecular consequence: missense variant. On other transcripts: intron variant (3).
Genome position (GRCh38, 1-based): chr19:1,912,901, A>C. VCF-style: chr19-1912901-A-C. GRCh37 (hg19) VCF-style: chr19-1912900-A-C.
Other names: c.806A>C, p.Asp269Ala (NM_001329533.2); c.-41-2078A>C (NM_079834.4, NM_001329540.2); c.-125-4793A>C (NM_001329539.2); short protein forms D285A, D269A.
Identifiers: ClinVar variation 434085 (VCV000434085.16), dbSNP rs146212621, ClinGen allele CA9054634.